The following is an entry in ClinVar:

NM_198904.4(GABRG2):c.166G>C (p.Val56Leu)

Gene: GABRG2 (gamma-aminobutyric acid type A receptor subunit gamma2; plus strand). Cytogenetic location: 5q34.
Variant type: single nucleotide variant.
Coding change: c.166G>C on transcript NM_198904.4 (MANE Select); coding-DNA position 166, G replaced by C.
Protein change: p.Val56Leu; replaces valine 56 with leucine.
Molecular consequence: missense variant. On other transcripts: 5 prime UTR variant (3).
Genome position (GRCh38, 1-based): chr5:162,093,886, G>C. VCF-style: chr5-162093886-G-C. GRCh37 (hg19) VCF-style: chr5-161520892-G-C.
Other names: c.166G>C, p.Val56Leu (NM_000816.3, NM_001375340.1, NM_001375341.1 and 4 more transcripts); c.157G>C, p.Val53Leu (NM_001375339.1); c.100G>C, p.Val34Leu (NM_001375345.1, NM_001375346.1); c.79G>C, p.Val27Leu (NM_001375347.1); c.-193G>C (NM_001375348.1, NM_001375350.1); c.-120G>C (NM_001375349.1); short protein forms V27L, V56L, V53L, V34L.
Identifiers: ClinVar variation 4789497 (VCV004789497.1).

ClinVar aggregate classification (germline): Uncertain significance (1 of 4 stars; one submission).

Conditions:
Febrile seizures, familial, 8 (FEB8). Also called: CONVULSIONS, FAMILIAL FEBRILE, 8. Identifiers: Orphanet 36387, MedGen C1969810, MONDO:0011891, OMIM 607681.
EPILEPSY, CHILDHOOD ABSENCE, SUSCEPTIBILITY TO, 2 (ECA2). Identifiers: Orphanet 64280, MedGen C1843244, OMIM 607681.

Submission:

Labcorp Genetics (formerly Invitae), Labcorp
Classification: Uncertain significance for Febrile seizures, familial, 8; EPILEPSY, CHILDHOOD ABSENCE, SUSCEPTIBILITY TO, 2. Last evaluated: 2025-07-29. Review status: criteria provided, single submitter. Criteria: Invitae Variant Classification Sherloc (09022015). Collection method: clinical testing. Allele origin: germline.
Comment: This sequence change replaces valine, which is neutral and non-polar, with leucine, which is neutral and non-polar, at codon 56 of the GABRG2 protein (p.Val56Leu). This variant is not present in population databases (gnomAD no frequency). This variant has not been reported in the literature in individuals affected with GABRG2-related conditions. Invitae Evidence Modeling of protein sequence and biophysical properties (such as structural, functional, and spatial information, amino acid conservation, physicochemical variation, residue mobility, and thermodynamic stability) has been performed for this missense variant. However, the output from this modeling did not meet the statistical confidence thresholds required to predict the impact of this variant on GABRG2 protein function. In summary, the available evidence is currently insufficient to determine the role of this variant in disease. Therefore, it has been classified as a Variant of Uncertain Significance.